The following is an entry in ClinVar:

ClinVar aggregate classification (germline): Pathogenic (0 of 4 stars; one submission).

Conditions:
Autosomal recessive nonsyndromic hearing loss 3. Also called: NEUROSENSORY NONSYNDROMIC RECESSIVE DEAFNESS 3. Identifiers: Orphanet 90636, MedGen C1838263, MONDO:0010860, OMIM 600316.

gnomAD v4.1: 1 of 1,614,062 alleles (0.000062%); highest among the groups gnomAD compares: African/African-American, 0.0013%; no homozygotes.

Submission:

Wonkam Laboratory, Johns Hopkins University
Classification: Pathogenic for Autosomal recessive nonsyndromic hearing loss 3. Last evaluated: 2024-01-06. Review status: no assertion criteria provided. Collection method: research. Allele origin: unknown. Inheritance: Autosomal recessive inheritance. Affected: yes. Observed: 2 variant alleles.
Comment: The variant NM_016239.3 c.4347G>C is located in a mutational hot spot and/or critical and well-established functional domain (PM1), Absent from controls (or at extremely low frequency if recessive) in Exome Sequencing Project, 1000 Genomes Project, or Exome Aggregation Consortium (PM2), Cosegregation with disease in multiple affected family members in a gene definitively known to cause the disease (PP1), Multiple lines of computational evidence support a deleterious effect on the gene or gene product (PP3), Patient's phenotype or family history is highly specific for a disease with a single genetic etiology (PP4)

NM_016239.4(MYO15A):c.4347G>C (p.Lys1449Asn)

Gene: MYO15A (myosin XVA; plus strand). Cytogenetic location: 17p11.2.
Variant type: single nucleotide variant.
Coding change: c.4347G>C on transcript NM_016239.4 (MANE Select); coding-DNA position 4347, G replaced by C.
Protein change: p.Lys1449Asn; replaces lysine 1449 with asparagine.
Molecular consequence: missense variant.
Genome position (GRCh38, 1-based): chr17:18,133,251, G>C. VCF-style: chr17-18133251-G-C. GRCh37 (hg19) VCF-style: chr17-18036565-G-C.
Other names: short protein forms K1449N.
Identifiers: ClinVar variation 3383947 (VCV003383947.1).